The following is an entry in ClinVar:

NM_001256545.2(MEGF10):c.3172G>A (p.Asp1058Asn)

Gene: MEGF10 (multiple EGF like domains 10; plus strand). Cytogenetic location: 5q23.2.
Variant type: single nucleotide variant.
Coding change: c.3172G>A on transcript NM_001256545.2 (MANE Select); coding-DNA position 3172, G replaced by A.
Protein change: p.Asp1058Asn; replaces aspartic acid 1058 with asparagine.
Molecular consequence: missense variant.
Genome position (GRCh38, 1-based): chr5:127,455,547, G>A. VCF-style: chr5-127455547-G-A. GRCh37 (hg19) VCF-style: chr5-126791239-G-A.
Other names: c.3172G>A, p.Asp1058Asn (NM_032446.3); short protein forms D1058N.
Identifiers: ClinVar variation 2112289 (VCV002112289.4), dbSNP rs2479815234, ClinGen allele CA360717196.
Genomic context (GRCh38, chr5:127,455,547, plus strand): 5'-GTACTTATCCCGAAAAGCTCAGAGTGTGGTTATGTGGAGATGAAATCGCCGGCACGAAGA[G>A]ATTCCCCATATGCAGAGATCAATAACTCAACTTCAGCCAACAGGAATGTCTATGAAGTTG-3'
Protein context (NP_001243474.1, residues 1048-1068): YVEMKSPARR[Asp1058Asn]SPYAEINNST

ClinVar aggregate classification (germline): Uncertain significance (1 of 4 stars; one submission).

Conditions:
MEGF10-related myopathy (CMYO10A). Also called: Congenital myopathy 10A, severe variant. Identifiers: Orphanet 439212, MedGen C3280679, MONDO:0013731, OMIM 614399.

Submission:

Labcorp Genetics (formerly Invitae), Labcorp
Classification: Uncertain significance for MEGF10-related myopathy. Last evaluated: 2022-03-15. Review status: criteria provided, single submitter. Criteria: Invitae Variant Classification Sherloc (09022015). Collection method: clinical testing. Allele origin: germline.
Comment: Algorithms developed to predict the effect of missense changes on protein structure and function are either unavailable or do not agree on the potential impact of this missense change (SIFT: "Deleterious"; PolyPhen-2: "Probably Damaging"; Align-GVGD: "Class C0"). In summary, the available evidence is currently insufficient to determine the role of this variant in disease. Therefore, it has been classified as a Variant of Uncertain Significance. This variant has not been reported in the literature in individuals affected with MEGF10-related conditions. This variant is not present in population databases (gnomAD no frequency). This sequence change replaces aspartic acid, which is acidic and polar, with asparagine, which is neutral and polar, at codon 1058 of the MEGF10 protein (p.Asp1058Asn).